The following is an entry in ClinVar:

ClinVar aggregate classification (germline): Likely benign. Review status: criteria provided, multiple submitters, no conflicts (2 of 4 stars). 2 submissions from 2 submitters: Likely benign (2). Last evaluated 2025-03-25.

Conditions:
Autosomal recessive spinocerebellar ataxia 12. Also called: SPINOCEREBELLAR ATAXIA WITH MENTAL RETARDATION AND EPILEPSY. Identifiers: Orphanet 284282, MedGen C3280452, MONDO:0013687, OMIM 614322.
Developmental and epileptic encephalopathy, 1 (DEE1). Also called: Epileptic encephalopathy, early infantile, 1; X-linked infantile spasms; West's syndrome; Tonic spasms with clustering, arrest of psychomotor development and hypsarrhythmia on EEG; X-Linked Infantile Spasm Syndrome; OHTAHARA SYNDROME, X-LINKED. Identifiers: MedGen C3463992, MONDO:0010632, OMIM 308350. Disease mechanism: loss of function.

Allele frequency attached by ClinVar (database versions not stated): gnomAD exomes 0.00005; ExAC 0.00006; ESP Exome Variant Server 0.00008; TOPMed 0.00010; 1000 Genomes Project 30x 0.00016; 1000 Genomes Project 0.00020.
gnomAD v4.1: 125 of 1,614,222 alleles (0.0077%); highest among the groups gnomAD compares: Non-Finnish European, 0.0097%; no homozygotes.

Submissions (2):

Labcorp Genetics (formerly Invitae), Labcorp
Classification: Likely benign for Developmental and epileptic encephalopathy, 1; Autosomal recessive spinocerebellar ataxia 12. Last evaluated: 2025-03-25. Review status: criteria provided, single submitter. Criteria: Invitae Variant Classification Sherloc (09022015). Collection method: clinical testing. Allele origin: germline.

GeneDx
Classification: Likely benign. Last evaluated: 2018-02-08. Review status: criteria provided, single submitter. Criteria: GeneDx Variant Classification (06012015). Collection method: clinical testing. Allele origin: germline. Affected: yes.
Comment: This variant is considered likely benign or benign based on one or more of the following criteria: it is a conservative change, it occurs at a poorly conserved position in the protein, it is predicted to be benign by multiple in silico algorithms, and/or has population frequency not consistent with disease.

NM_016373.4(WWOX):c.1077C>T (p.Thr359=)

Genes: MAF (MAF bZIP transcription factor; minus strand), WWOX (WW domain containing oxidoreductase; plus strand). Cytogenetic location: 16q23.2.
Variant type: single nucleotide variant.
Coding change: c.1077C>T on transcript NM_016373.4 (MANE Select); coding-DNA position 1077, C replaced by T.
Protein change: p.Thr359=; no amino-acid change (threonine 359 retained).
Molecular consequence: synonymous variant.
Genome position (GRCh38, 1-based): chr16:79,211,628, C>T. VCF-style: chr16-79211628-C-T. GRCh37 (hg19) VCF-style: chr16-79245525-C-T.
Other names: c.738C>T, p.Thr246= (NM_001291997.2).
Identifiers: ClinVar variation 392079 (VCV000392079.10), dbSNP rs150912992, ClinGen allele CA8183729.